The following is an entry in ClinVar:

ClinVar aggregate classification (germline): Uncertain significance. Review status: criteria provided, multiple submitters, no conflicts (2 of 4 stars). 3 submissions from 3 submitters: Uncertain significance (3). Last evaluated 2024-10-08.

Conditions:
Cardiovascular phenotype. Identifiers: MedGen CN230736.
Wolman disease (WOLD). Also called: LYSOSOMAL ACID LIPASE DEFICIENCY, ACUTE INFANTILE; LYSOSOMAL ACID LIPASE DEFICIENCY, COMPLETE; LIPA DEFICIENCY, COMPLETE; LAL DEFICIENCY, COMPLETE; CHOLESTEROL ESTER HYDROLASE DEFICIENCY, COMPLETE; Acid cholesteryl ester hydrolase deficiency, Wolman type. Identifiers: Orphanet 75233, MedGen C0043208, MONDO:0019148, OMIM 620151.
Lysosomal acid lipase deficiency. Also called: Acid cholesteryl ester hydrolase deficiency, type 2. Identifiers: Orphanet 275761, MedGen C5574740, MONDO:0800449, MONDO:0010204.

Allele frequency attached by ClinVar (database versions not stated): gnomAD exomes below 0.00001.
gnomAD v4.1: 3 of 1,613,408 alleles (0.00019%); highest among the groups gnomAD compares: Middle Eastern, 0.017%; no homozygotes.

Submissions (3):

Ambry Genetics
Classification: Uncertain significance for Cardiovascular phenotype. Last evaluated: 2024-10-08. Review status: criteria provided, single submitter. Criteria: Ambry Variant Classification Scheme 2023. Collection method: clinical testing. Allele origin: germline.
Comment: The p.L17P variant (also known as c.50T>C), located in coding exon 1 of the LIPA gene, results from a T to C substitution at nucleotide position 50. The leucine at codon 17 is replaced by proline, an amino acid with similar properties. This amino acid position is conserved. In addition, the in silico prediction for this alteration is inconclusive. Based on the available evidence, the clinical significance of this variant remains unclear.

Labcorp Genetics (formerly Invitae), Labcorp
Classification: Uncertain significance for Wolman disease. Last evaluated: 2024-08-30. Review status: criteria provided, single submitter. Criteria: Invitae Variant Classification Sherloc (09022015). Collection method: clinical testing. Allele origin: germline.
Comment: This sequence change replaces leucine, which is neutral and non-polar, with proline, which is neutral and non-polar, at codon 17 of the LIPA protein (p.Leu17Pro). This variant is not present in population databases (gnomAD no frequency). This variant has not been reported in the literature in individuals affected with LIPA-related conditions. ClinVar contains an entry for this variant (Variation ID: 301585). Invitae Evidence Modeling of protein sequence and biophysical properties (such as structural, functional, and spatial information, amino acid conservation, physicochemical variation, residue mobility, and thermodynamic stability) indicates that this missense variant is not expected to disrupt LIPA protein function with a negative predictive value of 80%. In summary, the available evidence is currently insufficient to determine the role of this variant in disease. Therefore, it has been classified as a Variant of Uncertain Significance.

Illumina Laboratory Services, Illumina
Classification: Uncertain significance for Cholesteryl ester storage disease. Last evaluated: 2018-01-13. Review status: criteria provided, single submitter. Criteria: ICSL Variant Classification Criteria 13 December 2019. Collection method: clinical testing. Allele origin: germline.

NM_000235.4(LIPA):c.50T>C (p.Leu17Pro)

Gene: LIPA (lipase A, lysosomal acid type; minus strand). Cytogenetic location: 10q23.31.
Variant type: single nucleotide variant.
Coding change: c.50T>C on transcript NM_000235.4 (MANE Select); coding-DNA position 50, T replaced by C.
Protein change: p.Leu17Pro; replaces leucine 17 with proline.
Molecular consequence: missense variant. On other transcripts: intron variant (1).
Genome position (GRCh38, 1-based): chr10:89,247,599, A>G on the plus strand (T>C on the coding strand, the complement: LIPA is on the minus strand). VCF-style: chr10-89247599-A-G. GRCh37 (hg19) VCF-style: chr10-91007356-A-G.
Other names: c.50T>C, p.Leu17Pro (NM_001127605.3); c.-120+4138T>C (NM_001288979.2); short protein forms L17P.
Identifiers: ClinVar variation 301585 (VCV000301585.11), dbSNP rs886047472, ClinGen allele CA10636485.